The following is an entry in ClinVar:

ClinVar aggregate classification (germline): Uncertain significance (1 of 4 stars; one submission).

Conditions:
Deafness-lymphedema-leukemia syndrome. Also called: Emberger syndrome; Lymphedema, primary, with myelodysplasia. Identifiers: Orphanet 3226, MedGen C3279664, MONDO:0013540, OMIM 614038.
Monocytopenia with susceptibility to infections. Also called: MONOCYTOPENIA AND MYCOBACTERIAL INFECTION SYNDROME; MONOCYTOPENIA WITH SUSCEPTIBILITY TO MYCOBACTERIAL, FUNGAL, AND PAPILLOMAVIRUS INFECTIONS AND MYELODYSPLASIA; COMBINED IMMUNODEFICIENCY WITH SUSCEPTIBILITY TO MYCOBACTERIAL, VIRAL, AND FUNGAL INFECTIONS; Dendritic cell, monocyte, B lymphocyte, and natural killer lymphocyte deficiency; IMMUNODEFICIENCY 21; GATA2 DEFICIENCY. Identifiers: Orphanet 228423, MedGen C3280030, MONDO:0013607, OMIM 614172.

Allele frequency attached by ClinVar (database versions not stated): TOPMed below 0.00001.
gnomAD v4.1: 1 of 1,611,308 alleles (0.000062%); no homozygotes.

Submission:

Labcorp Genetics (formerly Invitae), Labcorp
Classification: Uncertain significance for Monocytopenia with susceptibility to infections; Deafness-lymphedema-leukemia syndrome. Last evaluated: 2020-09-24. Review status: criteria provided, single submitter. Criteria: Invitae Variant Classification Sherloc (09022015). Collection method: clinical testing. Allele origin: germline.
Comment: In summary, the available evidence is currently insufficient to determine the role of this variant in disease. Therefore, it has been classified as a Variant of Uncertain Significance. Algorithms developed to predict the effect of missense changes on protein structure and function are either unavailable or do not agree on the potential impact of this missense change (SIFT: "Deleterious"; PolyPhen-2: "Probably Damaging"; Align-GVGD: "Class C0"). This variant has not been reported in the literature in individuals with GATA2-related conditions. This variant is not present in population databases (ExAC no frequency). This sequence change replaces serine with phenylalanine at codon 182 of the GATA2 protein (p.Ser182Phe). The serine residue is moderately conserved and there is a large physicochemical difference between serine and phenylalanine.

NM_032638.5(GATA2):c.545C>T (p.Ser182Phe)

Gene: GATA2 (GATA binding protein 2; minus strand). Cytogenetic location: 3q21.3.
Variant type: single nucleotide variant.
Coding change: c.545C>T on transcript NM_032638.5 (MANE Select); coding-DNA position 545, C replaced by T.
Protein change: p.Ser182Phe; replaces serine 182 with phenylalanine.
Molecular consequence: missense variant.
Genome position (GRCh38, 1-based): chr3:128,486,053, G>A on the plus strand (C>T on the coding strand, the complement: GATA2 is on the minus strand). VCF-style: chr3-128486053-G-A. GRCh37 (hg19) VCF-style: chr3-128204896-G-A.
Other names: c.545C>T, p.Ser182Phe (NM_001145661.2, NM_001145662.1); short protein forms S182F.
Identifiers: ClinVar variation 1058079 (VCV001058079.9), dbSNP rs2068692930, ClinGen allele CA354406547.